The following is an entry in ClinVar:

NM_001174089.2(SLC4A11):c.761G>A (p.Arg254His)

Gene: SLC4A11 (solute carrier family 4 member 11; minus strand). Cytogenetic location: 20p13.
Variant type: single nucleotide variant.
Coding change: c.761G>A on transcript NM_001174089.2 (MANE Select); coding-DNA position 761, G replaced by A.
Protein change: p.Arg254His; replaces arginine 254 with histidine.
Molecular consequence: missense variant. On other transcripts: non-coding transcript variant (3).
Genome position (GRCh38, 1-based): chr20:3,231,517, C>T on the plus strand (G>A on the coding strand, the complement: SLC4A11 is on the minus strand). VCF-style: chr20-3231517-C-T. GRCh37 (hg19) VCF-style: chr20-3212163-C-T.
Other names: c.890G>A, p.Arg297His (NM_001174090.2, NM_001400280.1); c.761G>A, p.Arg254His (NM_001363745.2); c.704G>A, p.Arg235His (NM_001400277.1, NM_001400278.1, NM_001400279.1); c.809G>A, p.Arg270His (NM_032034.4); short protein forms R235H, R254H, R270H, R297H.
Identifiers: ClinVar variation 2629673 (VCV002629673.2), dbSNP rs2067777836, ClinGen allele CA408091386.

ClinVar aggregate classification (germline): Uncertain significance (1 of 4 stars; one submission).

Conditions:
SLC4A11-related disorder. Also called: SLC4A11-related condition.

Allele frequency attached by ClinVar (database versions not stated): gnomAD exomes below 0.00001.
gnomAD v4.1: 2 of 1,613,944 alleles (0.00012%); highest among the groups gnomAD compares: Non-Finnish European, 0.00017%; no homozygotes.

Submission:

PreventionGenetics, part of Exact Sciences
Classification: Uncertain significance for SLC4A11-related condition. Last evaluated: 2025-03-31. Review status: criteria provided, single submitter. Criteria: ACMG Guidelines, 2015. Collection method: clinical testing. Allele origin: germline.
Comment: The SLC4A11 c.809G>A variant is predicted to result in the amino acid substitution p.Arg270His. To our knowledge, this variant has not been reported in the literature or in a large population database (gnomAD), indicating this variant is rare. Adjacent missense variants (p.Ala269Val and p.Thr271Met) have been previously reported in individuals with autosomal recessive congenital hereditary endothelial dystrophy 2 (Hemadevi et al. 2008. PubMed ID: 18474783 and Shah et al. 2008. PubMed ID: 18363173, respectively). At this time, the clinical significance of this variant is uncertain due to the absence of conclusive functional and genetic evidence.